The following is an entry in ClinVar:

NM_007294.4(BRCA1):c.20_28del (p.Arg7_Glu10delinsGln)

Gene: BRCA1 (BRCA1 DNA repair associated; minus strand). Cytogenetic location: 17q21.31.
Variant type: Deletion.
Coding change: c.20_28del on transcript NM_007294.4 (MANE Select); coding-DNA positions 20 to 28, 9 bases deleted (GCGTTGAAG; older notation c.20_28delGCGTTGAAG).
Protein change: p.Arg7_Glu10delinsGln.
Molecular consequence: inframe indel. On other transcripts: 5 prime UTR variant (1), non-coding transcript variant (1).
Genome position (GRCh38, 1-based): chr17:43,124,069-43,124,077, CTTCAACGC deleted on the plus strand (GCGTTGAAG on the coding strand, the reverse complement: BRCA1 is on the minus strand). VCF-style (leftmost placement, unchanged base first): chr17-43124068-TCTTCAACGC-T. GRCh37 (hg19) VCF-style: chr17-41276085-TCTTCAACGC-T.
Other names: VEE7delVEEinsQ; c.20_28delGCGTTGAAG, p.Arg7_Glu10delinsGln (NM_001408401.1, NM_001408402.1, NM_001408403.1 and 191 more transcripts); c.-241_-233delGCGTTGAAG (NM_001408410.1, NM_001408452.1, NM_001408462.1 and 22 more transcripts); c.-68_-60delGCGTTGAAG (NM_001408454.1, NM_001408459.1, NM_001408460.1 and 22 more transcripts); c.-238_-230delGCGTTGAAG (NM_001408455.1, NM_001408456.1, NM_001408468.1 and 11 more transcripts); c.-242_-234delGCGTTGAAG (NM_001408465.1, NM_001407695.1); c.-169_-161delGCGTTGAAG (NM_001408478.1, NM_001408479.1, NM_001408480.1 and 46 more transcripts); c.-314_-306delGCGTTGAAG (NM_001408482.1); and 11 more.
Identifiers: ClinVar variation 125492 (VCV000125492.23), dbSNP rs80359887, ClinGen allele CA026476.
Genomic context (GRCh38, chr17:43,124,068, plus strand): 5'-CTGACTTACCAGATGGGACACTCTAAGATTTTCTGCATAGCATTAATGACATTTTGTACT[TCTTCAACGC>T]GAAGAGCAGATAAATCCATTTCTTTCTGTTCCAATGAACTTTAACACATTAGAAAAACAT-3'

ClinVar aggregate classification (germline): Uncertain significance. Review status: criteria provided, multiple submitters, no conflicts (2 of 4 stars). 4 submissions from 4 submitters: Uncertain significance (3). 1 of the submissions does not count toward it. Last evaluated 2025-02-05.

Conditions:
Hereditary cancer-predisposing syndrome. Also called: Neoplastic Syndromes, Hereditary; Hereditary Cancer Syndrome; Tumor predisposition; Hereditary neoplastic syndrome. Identifiers: Orphanet 140162, MedGen C0027672, MeSH D009386, MONDO:0015356.
Hereditary breast ovarian cancer syndrome. Also called: BRCA1- and BRCA2-Associated Hereditary Breast and Ovarian Cancer; Hereditary breast and ovarian cancer syndrome; Hereditary breast and ovarian cancer syndrome (HBOC); Hereditary breast and/or ovarian cancer syndrome; Hereditary breast and ovarian cancer; Breast and ovarian cancer. Identifiers: Orphanet 145, MedGen C0677776, MeSH D061325, MONDO:0003582. Disease mechanism: loss of function.
Breast-ovarian cancer, familial, susceptibility to, 1 (BROVCA1). Also called: BRCA1 Hereditary Breast and Ovarian Cancer; OVARIAN CANCER, SUSCEPTIBILITY TO. Identifiers: Orphanet 145, MedGen C2676676, MONDO:0011450, OMIM 604370. Disease mechanism: loss of function.

Allele frequency attached by ClinVar (database versions not stated): ExAC 0.00001; gnomAD exomes below 0.00001.

Submissions (4):

Ambry Genetics
Classification: Uncertain significance for Hereditary cancer-predisposing syndrome. Last evaluated: 2025-02-05. Review status: criteria provided, single submitter. Criteria: Ambry Variant Classification Scheme 2023. Collection method: clinical testing. Allele origin: germline.
Comment: The c.20_28delGCGTTGAAG variant (also known as p.R7_E10delinsQ) is located in coding exon 1 of the BRCA1 gene. This variant results from an in-frame GCGTTGAAG deletion at nucleotide positions 20 to 28. The amino acids at codons 7 though 10 are replaced by glutamine. These amino acid positions are well conserved in available vertebrate species. In addition, the in silico prediction for this alteration is inconclusive (Choi Y et al. PLoS ONE. 2012; 7(10):e46688). These nucleotide positions are well conserved in available vertebrate species. In silico splice site analysis predicts that this alteration may weaken the native splice acceptor site. Based on the available evidence, the clinical significance of this variant remains unclear.

Labcorp Genetics (formerly Invitae), Labcorp
Classification: Uncertain significance for Hereditary breast ovarian cancer syndrome. Last evaluated: 2023-04-13. Review status: criteria provided, single submitter. Criteria: Invitae Variant Classification Sherloc (09022015). Collection method: clinical testing. Allele origin: germline.
Comment: In summary, the available evidence is currently insufficient to determine the role of this variant in disease. Therefore, it has been classified as a Variant of Uncertain Significance. Algorithms developed to predict the effect of sequence changes on RNA splicing suggest that this variant may disrupt the consensus splice site. ClinVar contains an entry for this variant (Variation ID: 125492). This variant has been observed in individual(s) with breast and/or ovarian cancer (PMID: 27062684). This variant is not present in population databases (gnomAD no frequency). This variant, c.20_28del, is a complex sequence change that results in the deletion of 4 and insertion of 1 amino acid(s) in the BRCA1 protein (p.Arg7_Glu10delinsGln).

Color Diagnostics, LLC DBA Color Health
Classification: Uncertain significance for Hereditary cancer-predisposing syndrome. Last evaluated: 2020-09-08. Review status: criteria provided, single submitter. Criteria: ACMG Guidelines, 2015. Collection method: clinical testing. Allele origin: germline.
Comment: This variant causes deletion of 4 amino acids and insertion of a new amino acid at codon 7 to 10 of the BRCA1 protein. To our knowledge, functional studies have not been reported for this variant. This variant has not been reported in individuals affected with hereditary cancer in the literature. This variant has not been identified in the general population by the Genome Aggregation Database (gnomAD). The available evidence is insufficient to determine the role of this variant in disease conclusively. Therefore, this variant is classified as a Variant of Uncertain Significance.

Breast Cancer Information Core (BIC) (BRCA1)
Classification: Uncertain significance for Breast-ovarian cancer, familial 1. Last evaluated: 2004-03-30. Review status: no assertion criteria provided. Collection method: clinical testing. Allele origin: germline. Affected: yes. Observed: 1 variant allele. Not counted in ClinVar's aggregate classification.

Literature cited by the submitters: PubMed 27062684 (cited by Labcorp Genetics (formerly Invitae), Labcorp).